The following is an entry in ClinVar:

ClinVar aggregate classification (germline): Uncertain significance. Review status: criteria provided, multiple submitters, no conflicts (2 of 4 stars). 2 submissions from 2 submitters: Uncertain significance (2). Last evaluated 2025-12-01.

Conditions:
Erythrocytosis, familial, 3 (ECYT3). Identifiers: Orphanet 247511, MedGen C1853286, MONDO:0012353, OMIM 609820.

Submissions (2):

Labcorp Genetics (formerly Invitae), Labcorp
Classification: Uncertain significance for Erythrocytosis, familial, 3. Last evaluated: 2025-12-01. Review status: criteria provided, single submitter. Criteria: Invitae Variant Classification Sherloc (09022015). Collection method: clinical testing. Allele origin: germline.
Comment: This variant, c.241_255del, results in the deletion of 5 amino acid(s) of the EGLN1 protein (p.Ala81_Pro85del), but otherwise preserves the integrity of the reading frame. This variant is not present in population databases (gnomAD no frequency). This variant has been observed in individual(s) with erythrocytosis (PMID: 37317877). Experimental studies and prediction algorithms are not available or were not evaluated, and the functional significance of this variant is currently unknown. In summary, the available evidence is currently insufficient to determine the role of this variant in disease. Therefore, it has been classified as a Variant of Uncertain Significance.

Ambry Genetics
Classification: Uncertain significance. Last evaluated: 2025-09-23. Review status: criteria provided, single submitter. Criteria: Ambry Variant Classification Scheme 2023. Collection method: clinical testing. Allele origin: germline.
Comment: The c.241_255del15 variant (also known as p.A81_P85del) is located in coding exon 1 of the EGLN1 gene. This variant results from an in-frame GCTGCAGTGCCGCCG deletion at nucleotide positions 241 to 255. This results in the in-frame deletion of a at codon 81. This amino acid region is generally conserved in available vertebrate species. The evidence for this gene-disease relationship is limited; therefore, the clinical significance of this alteration is unclear.

Literature cited by the submitters: PubMed 37317877 (cited by Labcorp Genetics (formerly Invitae), Labcorp).

NM_022051.3(EGLN1):c.241_255del (p.Ala81_Pro85del)

Gene: EGLN1 (egl-9 family hypoxia inducible factor 1; minus strand). Cytogenetic location: 1q42.2.
Variant type: Deletion.
Coding change: c.241_255del on transcript NM_022051.3 (MANE Select); coding-DNA positions 241 to 255, 15 bases deleted (GCTGCAGTGCCGCCG).
Protein change: p.Ala81_Pro85del.
Molecular consequence: inframe deletion.
Genome position (GRCh38, 1-based): chr1:231,421,634-231,421,648, CGGCGGCACTGCAGC deleted on the plus strand (GCTGCAGTGCCGCCG on the coding strand, the reverse complement: EGLN1 is on the minus strand); deleting any 15 consecutive bases within chr1:231,421,634-231,421,655 gives the same sequence; the c. name uses the placement nearest the transcript's 3' end. VCF-style (leftmost placement, unchanged base first): chr1-231421633-GCGGCGGCACTGCAGC-G. GRCh37 (hg19) VCF-style: chr1-231557379-GCGGCGGCACTGCAGC-G.
Other names: c.241_255del, p.Ala81_Pro85del (NM_001377260.1, NM_001377261.1).
Identifiers: ClinVar variation 4663398 (VCV004663398.2).
Genomic context (GRCh38, chr1:231,421,633, plus strand): 5'-CCCCGGAGGCGTTGTCCCGGCGCGCCGCTGCCTTCCTGGGCTCCCGGGCCCCGGCCCTGG[GCGGCGGCACTGCAGC>G]CGGCGGCGCGGGGCCGGAATGCTGGTGTGGGCCCACTCCGTGGCCGAGGGCGCCCTCGCT-3'